The following is an entry in ClinVar:

NM_001365951.3(KIF1B):c.1714A>G (p.Ser572Gly)

Gene: KIF1B (kinesin family member 1B; plus strand). Cytogenetic location: 1p36.22.
Variant type: single nucleotide variant.
Coding change: c.1714A>G on transcript NM_001365951.3 (MANE Select); coding-DNA position 1714, A replaced by G.
Protein change: p.Ser572Gly; replaces serine 572 with glycine.
Molecular consequence: missense variant.
Genome position (GRCh38, 1-based): chr1:10,295,703, A>G. VCF-style: chr1-10295703-A-G. GRCh37 (hg19) VCF-style: chr1-10355761-A-G.
Other names: c.1714A>G, p.Ser572Gly (NM_001365952.1); c.1576A>G, p.Ser526Gly (NM_001365953.1, NM_015074.3, NM_183416.4); short protein forms S526G, S572G.
Identifiers: ClinVar variation 3226361 (VCV003226361.1), dbSNP rs2521390768, ClinGen allele CA338314904.

ClinVar aggregate classification (germline): Uncertain significance (1 of 4 stars; one submission).

Allele frequency attached by ClinVar (database versions not stated): gnomAD exomes below 0.00001.
gnomAD v4.1: 1 of 1,613,904 alleles (0.000062%); highest among the groups gnomAD compares: Non-Finnish European, 0.000085%; no homozygotes.

Submission:

Ambry Genetics
Classification: Uncertain significance. Last evaluated: 2023-12-04. Review status: criteria provided, single submitter. Criteria: Ambry Variant Classification Scheme 2023. Collection method: clinical testing. Allele origin: germline.
Comment: The p.S526G variant (also known as c.1576A>G), located in coding exon 16 of the KIF1B gene, results from an A to G substitution at nucleotide position 1576. The serine at codon 526 is replaced by glycine, an amino acid with similar properties. This amino acid position is conserved. In addition, this alteration is predicted to be deleterious by in silico analysis. Since supporting evidence is limited at this time, the clinical significance of this alteration remains unclear.